The following is an entry in ClinVar:

ClinVar aggregate classification (germline): Likely benign (1 of 4 stars; one submission).

Submission:

CeGaT Center for Human Genetics Tuebingen
Classification: Likely benign. Last evaluated: 2022-12-01. Review status: criteria provided, single submitter. Criteria: CeGaT Center For Human Genetics Tuebingen Variant Classification Criteria Version 2. Collection method: clinical testing. Allele origin: germline. Affected: yes. Observed: 3 variant alleles.
Comment: TRAF7: BS1

NM_032271.3(TRAF7):c.1135+40C>G

Gene: TRAF7 (TNF receptor associated factor 7; plus strand). Cytogenetic location: 16p13.3.
Variant type: single nucleotide variant.
Coding change: c.1135+40C>G on transcript NM_032271.3 (MANE Select); 40 bases into the intron after coding-DNA position 1135, C replaced by G.
Molecular consequence: intron variant.
Genome position (GRCh38, 1-based): chr16:2,173,876, C>G. VCF-style: chr16-2173876-C-G. GRCh37 (hg19) VCF-style: chr16-2223877-C-G.
Identifiers: ClinVar variation 2646047 (VCV002646047.24), dbSNP rs199630186, ClinGen allele CA7834876.